The following is an entry in ClinVar:

ClinVar aggregate classification (germline): Likely pathogenic (1 of 4 stars; one submission).

Submission:

Labcorp Genetics (formerly Invitae), Labcorp
Classification: Likely pathogenic. Last evaluated: 2023-07-07. Review status: criteria provided, single submitter. Criteria: Invitae Variant Classification Sherloc (09022015). Collection method: clinical testing. Allele origin: germline.
Comment: In summary, the currently available evidence indicates that the variant is pathogenic, but additional data are needed to prove that conclusively. Therefore, this variant has been classified as Likely Pathogenic. Algorithms developed to predict the effect of sequence changes on RNA splicing suggest that this variant may disrupt the consensus splice site. This variant has not been reported in the literature in individuals affected with MYH3-related conditions. This variant is present in population databases (rs758147167, gnomAD 0.01%). This variant results in the deletion of part of exon 15 (c.1411-3_1413del) of the MYH3 gene. It is expected to disrupt RNA splicing. Variants that disrupt the donor or acceptor splice site typically lead to a loss of protein function (PMID: 16199547), and loss-of-function variants in MYH3 are known to be pathogenic (PMID: 29805041, 30008475).

Literature cited by the submitters: PubMed 16199547; PubMed 29805041; PubMed 30008475.

NM_002470.4(MYH3):c.1411-3_1413del

Gene: MYH3 (myosin heavy chain 3; minus strand). Cytogenetic location: 17p13.1.
Variant type: Deletion.
Coding change: c.1411-3_1413del on transcript NM_002470.4 (MANE Select); 3 bases into the intron before coding-DNA position 1411 through coding-DNA position 1413, 6 bases deleted (TAGTAT; older notation c.1411-3_1413delTAGTAT).
Molecular consequence: splice acceptor variant.
Genome position (GRCh38, 1-based): chr17:10,642,994-10,642,999, ATACTA deleted on the plus strand (TAGTAT on the coding strand, the reverse complement: MYH3 is on the minus strand); deleting any 6 consecutive bases within chr17:10,642,994-10,643,002 gives the same sequence; the c. name uses the placement nearest the transcript's 3' end. VCF-style (leftmost placement, unchanged base first): chr17-10642993-TATACTA-T. GRCh37 (hg19) VCF-style: chr17-10546310-TATACTA-T.
Identifiers: ClinVar variation 2918995 (VCV002918995.3), dbSNP rs758147167, ClinGen allele CA8393004.
Genomic context (GRCh38, chr17:10,642,993, plus strand): 5'-GGTTGAAAAACTGTTGCAGTTTCTCATTGGTGAAGTTGATGCACAGCTGCTCCAGGCTGT[TATACTA>T]ATAAAAAAATACAACATTCATGTGAAAAGTTAGACTTCTTTCAGAATCAAAGACTGTCAA-3'